The following is an entry in ClinVar:

NM_182961.4(SYNE1):c.11606A>G (p.His3869Arg)

Gene: SYNE1 (spectrin repeat containing nuclear envelope protein 1; minus strand). Cytogenetic location: 6q25.2.
Variant type: single nucleotide variant.
Coding change: c.11606A>G on transcript NM_182961.4 (MANE Select); coding-DNA position 11606, A replaced by G.
Protein change: p.His3869Arg; replaces histidine 3869 with arginine.
Molecular consequence: missense variant.
Genome position (GRCh38, 1-based): chr6:152,350,745, T>C on the plus strand (A>G on the coding strand, the complement: SYNE1 is on the minus strand). VCF-style: chr6-152350745-T-C. GRCh37 (hg19) VCF-style: chr6-152671880-T-C.
Other names: c.11561A>G, p.His3854Arg (NM_033071.5); short protein forms H3854R, H3869R.
Identifiers: ClinVar variation 3571842 (VCV003571842.1).
Genomic context (GRCh38, chr6:152,350,745, plus strand): 5'-TCCTGCACCAGTTCCAAAAGAGCTTCACCCTTCTCTCTCACTGACTTTACTGATGGTTCA[T>C]GGGACAGCACCGTTTGTTGAAGTGACTTGAATTACAAAGAAAAAAAAATGAGCCTGCTCA-3'
Protein context (NP_892006.3, residues 3859-3879): YKSLQQTVLS[His3869Arg]EPSVKSVREK

ClinVar aggregate classification (germline): Uncertain significance (1 of 4 stars; one submission).

gnomAD v4.1: 6 of 1,613,326 alleles (0.00037%); highest among the groups gnomAD compares: Non-Finnish European, 0.00042%; no homozygotes.

Submission:

Athena Diagnostics
Classification: Uncertain significance. Last evaluated: 2024-08-05. Review status: criteria provided, single submitter. Criteria: Athena Diagnostics Criteria. Collection method: clinical testing. Allele origin: unknown.
Comment: Available data are insufficient to determine the clinical significance of the variant at this time. The frequency of this variant in the general population is uninformative in assessment of its pathogenicity. Polyphen and MutationTaster predict this amino acid change may be benign.